The following is an entry in ClinVar:

ClinVar aggregate classification (germline): Likely benign (0 of 4 stars; one submission).

Conditions:
ALPK3-related disorder. Also called: ALPK3-related condition.

Submission:

PreventionGenetics, part of Exact Sciences
Classification: Likely benign for ALPK3-related condition. Last evaluated: 2020-11-23. Review status: no assertion criteria provided. Collection method: clinical testing. Allele origin: germline.
Comment: This variant is classified as likely benign based on ACMG/AMP sequence variant interpretation guidelines (Richards et al. 2015 PMID: 25741868, with internal and published modifications).

NM_020778.5(ALPK3):c.3096G>A (p.Leu1032=)

Gene: ALPK3 (alpha kinase 3; plus strand). Cytogenetic location: 15q25.3.
Variant type: single nucleotide variant.
Coding change: c.3096G>A on transcript NM_020778.5 (MANE Select); coding-DNA position 3096, G replaced by A.
Protein change: p.Leu1032=; no amino-acid change (leucine 1032 retained).
Molecular consequence: synonymous variant.
Genome position (GRCh38, 1-based): chr15:84,857,834, G>A. VCF-style: chr15-84857834-G-A. GRCh37 (hg19) VCF-style: chr15-85401065-G-A.
Identifiers: ClinVar variation 3031829 (VCV003031829.2), dbSNP rs1963885203, ClinGen allele CA492273941.